The following is an entry in ClinVar:

ClinVar aggregate classification (germline): Uncertain significance (1 of 4 stars; one submission).

Conditions:
Episodic pain syndrome, familial, 2 (FEPS2). Identifiers: Orphanet 306577, MedGen C3809893, MONDO:0014246, OMIM 615551.

Submission:

Centre for Mendelian Genomics, University Medical Centre Ljubljana
Classification: Uncertain significance for Episodic pain syndrome, familial, 2. Last evaluated: 2018-10-15. Review status: criteria provided, single submitter. Criteria: ACMG Guidelines, 2015. Collection method: clinical testing. Allele origin: unknown. Affected: yes.
Comment: This variant was classified as: Uncertain significance. The available evidence on this variant's pathogenicity is insufficient or conflicting. The following ACMG criteria were applied in classifying this variant: PM2,PP3.

NM_006514.4(SCN10A):c.824A>C (p.Lys275Thr)

Gene: SCN10A (sodium voltage-gated channel alpha subunit 10; minus strand). Cytogenetic location: 3p22.2.
Variant type: single nucleotide variant.
Coding change: c.824A>C on transcript NM_006514.4 (MANE Select); coding-DNA position 824, A replaced by C.
Protein change: p.Lys275Thr; replaces lysine 275 with threonine.
Molecular consequence: missense variant.
Genome position (GRCh38, 1-based): chr3:38,761,251, T>G on the plus strand (A>C on the coding strand, the complement: SCN10A is on the minus strand). VCF-style: chr3-38761251-T-G. GRCh37 (hg19) VCF-style: chr3-38802742-T-G.
Other names: c.824A>C, p.Lys275Thr (NM_001293306.2, NM_001293307.2); short protein forms K275T.
Identifiers: ClinVar variation 931911 (VCV000931911.3), dbSNP rs2063866964, ClinGen allele CA352171592.